The following is an entry in ClinVar:

NM_058163.3(TSR2):c.22G>C (p.Ala8Pro)

Gene: TSR2 (TSR2 ribosome maturation factor; plus strand). Cytogenetic location: Xp11.22.
Variant type: single nucleotide variant.
Coding change: c.22G>C on transcript NM_058163.3 (MANE Select); coding-DNA position 22, G replaced by C.
Protein change: p.Ala8Pro; replaces alanine 8 with proline.
Molecular consequence: missense variant. On other transcripts: 5 prime UTR variant (3).
Genome position (GRCh38, 1-based): chrX:54,440,443, G>C. VCF-style: chrX-54440443-G-C. GRCh37 (hg19) VCF-style: chrX-54466876-G-C.
Other names: c.22G>C, p.Ala8Pro (NM_001346789.2); c.-366G>C (NM_001346790.2); c.-375G>C (NM_001346791.2); c.-173G>C (NM_001346792.2); short protein forms A8P.
Identifiers: ClinVar variation 2262503 (VCV002262503.5), dbSNP rs377577583, ClinGen allele CA10424766.

ClinVar aggregate classification (germline): Uncertain significance. Review status: criteria provided, multiple submitters, no conflicts (2 of 4 stars). 2 submissions from 2 submitters: Uncertain significance (2). Last evaluated 2024-11-10.

Allele frequency attached by ClinVar (database versions not stated): gnomAD 0.00010; TOPMed 0.00012; ESP Exome Variant Server 0.00019.
gnomAD v4.1: 208 of 1,127,308 alleles (0.018%); highest among the groups gnomAD compares: Non-Finnish European, 0.022%; no homozygotes.

Submissions (2):

Labcorp Genetics (formerly Invitae), Labcorp
Classification: Uncertain significance. Last evaluated: 2024-11-10. Review status: criteria provided, single submitter. Criteria: Invitae Variant Classification Sherloc (09022015). Collection method: clinical testing. Allele origin: germline.
Comment: This sequence change replaces alanine, which is neutral and non-polar, with proline, which is neutral and non-polar, at codon 8 of the TSR2 protein (p.Ala8Pro). This variant is present in population databases (rs377577583, gnomAD 0.008%). This variant has not been reported in the literature in individuals affected with TSR2-related conditions. ClinVar contains an entry for this variant (Variation ID: 2262503). An algorithm developed to predict the effect of missense changes on protein structure and function (PolyPhen-2) suggests that this variant¬¨‚Ä†is likely to be tolerated. In summary, the available evidence is currently insufficient to determine the role of this variant in disease. Therefore, it has been classified as a Variant of Uncertain Significance.

Ambry Genetics
Classification: Uncertain significance. Last evaluated: 2024-10-08. Review status: criteria provided, single submitter. Criteria: Ambry Variant Classification Scheme 2023. Collection method: clinical testing. Allele origin: germline.